The following is an entry in ClinVar:

NM_001365999.1(SZT2):c.1882G>A (p.Val628Ile)

Gene: SZT2 (SZT2 subunit of KICSTOR complex; plus strand). Cytogenetic location: 1p34.2.
Variant type: single nucleotide variant.
Coding change: c.1882G>A on transcript NM_001365999.1 (MANE Select); coding-DNA position 1882, G replaced by A.
Protein change: p.Val628Ile; replaces valine 628 with isoleucine.
Molecular consequence: missense variant.
Genome position (GRCh38, 1-based): chr1:43,422,592, G>A. VCF-style: chr1-43422592-G-A. GRCh37 (hg19) VCF-style: chr1-43888263-G-A.
Other names: c.1882G>A, p.Val628Ile (NM_015284.4); short protein forms V628I.
Identifiers: ClinVar variation 1022843 (VCV001022843.10), dbSNP rs758011949, ClinGen allele CA808533.
Genomic context (GRCh38, chr1:43,422,592, plus strand): 5'-ATCCAGTGCAGGATCTCCCACTCCTCCCTGACCTCTCTGCTGCGGGACTGGAGCAGCTTC[G>A]TACTAGTCGAGGGCTATTCTTATGTTAAGCTGCTCTCCAGGTGGGCAAAGTGATGTCCCT-3'
Protein context (NP_001352928.1, residues 618-638): TSLLRDWSSF[Val628Ile]LVEGYSYVKL

ClinVar aggregate classification (germline): Uncertain significance (1 of 4 stars; one submission).

Allele frequency attached by ClinVar (database versions not stated): gnomAD 0.00001; ExAC 0.00002; TOPMed 0.00002.
gnomAD v4.1: 7 of 1,597,874 alleles (0.00044%); highest among the groups gnomAD compares: South Asian, 0.0022%; no homozygotes.

Submission:

Labcorp Genetics (formerly Invitae), Labcorp
Classification: Uncertain significance. Last evaluated: 2022-06-27. Review status: criteria provided, single submitter. Criteria: Invitae Variant Classification Sherloc (09022015). Collection method: clinical testing. Allele origin: germline.
Comment: In summary, the available evidence is currently insufficient to determine the role of this variant in disease. Therefore, it has been classified as a Variant of Uncertain Significance. Algorithms developed to predict the effect of missense changes on protein structure and function are either unavailable or do not agree on the potential impact of this missense change (SIFT: "Tolerated"; PolyPhen-2: "Possibly Damaging"; Align-GVGD: "Class C0"). ClinVar contains an entry for this variant (Variation ID: 1022843). This variant has not been reported in the literature in individuals affected with SZT2-related conditions. This variant is present in population databases (rs758011949, gnomAD 0.007%). This sequence change replaces valine, which is neutral and non-polar, with isoleucine, which is neutral and non-polar, at codon 628 of the SZT2 protein (p.Val628Ile).